The following is an entry in ClinVar:

ClinVar aggregate classification (germline): Benign/Likely benign. Review status: criteria provided, multiple submitters, no conflicts (2 of 4 stars). 16 submissions from 16 submitters: Benign (9); Likely benign (2). 5 of the submissions do not count toward it. Last evaluated 2026-03-27.

Conditions:
Cardiovascular phenotype. Identifiers: MedGen CN230736.
Cardiomyopathy (CMYO). Also called: Cardiomyopathies. Identifiers: Orphanet 167848, MedGen C0878544, MONDO:0004994, HP:0001638. Inheritance: Various modes of inheritance.
Dilated cardiomyopathy 1DD (CMD1DD). Identifiers: Orphanet 154, MedGen C2750995, MONDO:0013168, OMIM 613172.

Allele frequency attached by ClinVar (database versions not stated): ESP Exome Variant Server 0.02146; 1000 Genomes Project 0.02696; 1000 Genomes Project 30x 0.03029; ExAC 0.00727; TOPMed 0.02569; gnomAD 0.02441 and 0.02263; gnomAD exomes 0.00504.
gnomAD v4.1: 6,582 of 1,551,686 alleles (0.42%); highest among the groups gnomAD compares: African/African-American, 7.7%; 236 homozygotes.

Submissions (16):

Molecular Diagnostic Laboratory for Inherited Cardiovascular Disease, Montreal Heart Institute
Classification: Benign. Last evaluated: 2026-03-27. Review status: criteria provided, single submitter. Criteria: ACMG Guidelines, 2015. Collection method: clinical testing. Allele origin: germline. Affected: no.

Labcorp Genetics (formerly Invitae), Labcorp
Classification: Benign for Dilated cardiomyopathy 1DD. Last evaluated: 2026-02-03. Review status: criteria provided, single submitter. Criteria: Invitae Variant Classification Sherloc (09022015). Collection method: clinical testing. Allele origin: germline.

ARUP Laboratories, Molecular Genetics and Genomics, ARUP Laboratories
Classification: Benign for Dilated cardiomyopathy 1DD. Last evaluated: 2025-05-14. Review status: criteria provided, single submitter. Criteria: ARUP Molecular Germline Variant Investigation Process 2024. Collection method: clinical testing. Allele origin: germline.

Women's Health and Genetics/Laboratory Corporation of America, LabCorp
Classification: Benign. Last evaluated: 2019-09-03. Review status: criteria provided, single submitter. Criteria: LabCorp Variant Classification Summary - May 2015. Collection method: clinical testing. Allele origin: germline.
Comment: Variant summary: RBM20 c.517C>A (p.Pro173Thr) results in a non-conservative amino acid change in the encoded protein sequence. Four of five in-silico tools predict a benign effect of the variant on protein function. The variant allele was found at a frequency of 0.005 in 156518 control chromosomes in the gnomAD database, including 24 homozygotes. The observed variant frequency is approximately 202 fold of the estimated maximal expected allele frequency for a pathogenic variant in RBM20 causing Cardiomyopathy phenotype (2.5e-05), strongly suggesting that the variant is benign. To our knowledge, no occurrence of c.517C>A in individuals affected with Cardiomyopathy and no experimental evidence demonstrating its impact on protein function have been reported. Four clinical diagnostic laboratories have submitted clinical-significance assessments for this variant to ClinVar after 2014 without evidence for independent evaluation. All laboratories classified the variant as benign/likely benign. Based on the evidence outlined above, the variant was classified as benign.

Illumina Laboratory Services, Illumina
Classification: Likely benign for Dilated cardiomyopathy 1DD. Last evaluated: 2017-04-27. Review status: criteria provided, single submitter. Criteria: ICSL Variant Classification Criteria 13 December 2019. Collection method: clinical testing. Allele origin: germline.
Comment: This variant was observed as part of a predisposition screen in an ostensibly healthy population. A literature search was performed for the gene, cDNA change, and amino acid change (where applicable). No publications were found based on this search. Allele frequency data from public databases allowed determination this variant is unlikely to cause disease. Therefore, this variant is classified as likely benign.

CHEO Genetics Diagnostic Laboratory, Children's Hospital of Eastern Ontario
Classification: Benign for Cardiomyopathy. Last evaluated: 2016-04-11. Review status: criteria provided, single submitter. Criteria: ACMG Guidelines, 2015. Collection method: clinical testing. Allele origin: germline. Study: Canadian Open Genetics Repository.

Mayo Clinic Laboratories, Mayo Clinic
Classification: Benign. Last evaluated: 2015-10-30. Review status: criteria provided, single submitter. Criteria: ACMG Guidelines, 2015. Collection method: clinical testing. Allele origin: germline. Observed: 31 variant alleles.

Ambry Genetics
Classification: Benign for Cardiovascular phenotype. Last evaluated: 2015-07-21. Review status: criteria provided, single submitter. Criteria: Ambry Variant Classification Scheme 2023. Collection method: clinical testing. Allele origin: germline.

GeneDx
Classification: Benign. Last evaluated: 2013-04-30. Review status: criteria provided, single submitter. Criteria: GeneDx Variant Classification (06012015). Collection method: clinical testing. Allele origin: germline. Affected: yes.
Comment: This variant is considered likely benign or benign based on one or more of the following criteria: it is a conservative change, it occurs at a poorly conserved position in the protein, it is predicted to be benign by multiple in silico algorithms, and/or has population frequency not consistent with disease.

Laboratory for Molecular Medicine, Mass General Brigham Personalized Medicine
Classification: Benign. Last evaluated: 2012-07-03. Review status: criteria provided, single submitter. Criteria: LMM Criteria. Collection method: clinical testing. Allele origin: germline. Observed: 53 variant alleles.
Comment: 7.1% (98/1384) of Afr Amer chrom from ESP

Breakthrough Genomics
Classification: Likely benign. Review status: criteria provided, single submitter. Criteria: ACMG Guidelines, 2015. Collection method: not provided. Allele origin: germline. Inheritance: Autosomal dominant inheritance. Affected: yes.

Clinical Genetics DNA and cytogenetics Diagnostics Lab, Erasmus MC, Erasmus Medical Center
Classification: Benign. Review status: no assertion criteria provided. Collection method: clinical testing. Allele origin: germline. Affected: yes. Study: VKGL Data-share Consensus. Not counted in ClinVar's aggregate classification.

Clinical Genetics, Academic Medical Center
Classification: Benign. Review status: no assertion criteria provided. Collection method: clinical testing. Allele origin: germline. Affected: yes. Study: VKGL Data-share Consensus. Not counted in ClinVar's aggregate classification.

Diagnostic Laboratory, Department of Genetics, University Medical Center Groningen
Classification: Likely benign for Dilated cardiomyopathy 1DD. Review status: no assertion criteria provided. Collection method: clinical testing. Allele origin: germline. Affected: yes. Study: VKGL Data-share Consensus. Not counted in ClinVar's aggregate classification.

Genome Diagnostics Laboratory, University Medical Center Utrecht
Classification: Benign. Review status: no assertion criteria provided. Collection method: clinical testing. Allele origin: germline. Affected: yes. Study: VKGL Data-share Consensus. Not counted in ClinVar's aggregate classification.

Joint Genome Diagnostic Labs from Nijmegen and Maastricht, Radboudumc and MUMC+
Classification: Benign. Review status: no assertion criteria provided. Collection method: clinical testing. Allele origin: germline. Affected: yes. Study: VKGL Data-share Consensus. Not counted in ClinVar's aggregate classification.

NM_001134363.3(RBM20):c.517C>A (p.Pro173Thr)

Gene: RBM20 (RNA binding motif protein 20; plus strand). Cytogenetic location: 10q25.2.
Variant type: single nucleotide variant.
Coding change: c.517C>A on transcript NM_001134363.3 (MANE Select); coding-DNA position 517, C replaced by A.
Protein change: p.Pro173Thr; replaces proline 173 with threonine.
Molecular consequence: missense variant.
Genome position (GRCh38, 1-based): chr10:110,781,126, C>A. VCF-style: chr10-110781126-C-A. GRCh37 (hg19) VCF-style: chr10-112540884-C-A.
Other names: p.P173T:CCC>ACC; short protein forms P173T.
Identifiers: ClinVar variation 44020 (VCV000044020.43), dbSNP rs7908490, ClinGen allele CA133396.